The following is an entry in ClinVar:

ClinVar aggregate classification (germline): Uncertain significance. Review status: criteria provided, multiple submitters, no conflicts (2 of 4 stars). 2 submissions from 2 submitters: Uncertain significance (2). Last evaluated 2025-03-26.

Allele frequency attached by ClinVar (database versions not stated): gnomAD exomes 0.00001; TOPMed 0.00002; gnomAD 0.00003.
gnomAD v4.1: 13 of 1,550,702 alleles (0.00084%); highest among the groups gnomAD compares: South Asian, 0.0012%; no homozygotes.

Submissions (2):

Ambry Genetics
Classification: Uncertain significance. Last evaluated: 2025-03-26. Review status: criteria provided, single submitter. Criteria: Ambry Variant Classification Scheme 2023. Collection method: clinical testing. Allele origin: germline.

Labcorp Genetics (formerly Invitae), Labcorp
Classification: Uncertain significance. Last evaluated: 2023-07-29. Review status: criteria provided, single submitter. Criteria: Invitae Variant Classification Sherloc (09022015). Collection method: clinical testing. Allele origin: germline.
Comment: In summary, the available evidence is currently insufficient to determine the role of this variant in disease. Therefore, it has been classified as a Variant of Uncertain Significance. An algorithm developed to predict the effect of missense changes on protein structure and function (PolyPhen-2) suggests that this variant is likely to be disruptive. ClinVar contains an entry for this variant (Variation ID: 1680478). This variant has not been reported in the literature in individuals affected with FAM65B-related conditions. This variant is present in population databases (no rsID available, gnomAD 0.01%). This sequence change replaces arginine, which is basic and polar, with glutamine, which is neutral and polar, at codon 1040 of the FAM65B protein (p.Arg1040Gln).

NM_001286445.3(RIPOR2):c.3056G>A (p.Arg1019Gln)

Gene: RIPOR2 (RHO family interacting cell polarization regulator 2; minus strand). Cytogenetic location: 6p22.3.
Variant type: single nucleotide variant.
Coding change: c.3056G>A on transcript NM_001286445.3 (MANE Select); coding-DNA position 3056, G replaced by A.
Protein change: p.Arg1019Gln; replaces arginine 1019 with glutamine.
Molecular consequence: missense variant.
Genome position (GRCh38, 1-based): chr6:24,806,461, C>T on the plus strand (G>A on the coding strand, the complement: RIPOR2 is on the minus strand). VCF-style: chr6-24806461-C-T. GRCh37 (hg19) VCF-style: chr6-24806689-C-T.
Other names: c.3119G>A (NM_014722.2); c.2969G>A, p.Arg990Gln (NM_001346031.2, NM_001346032.2); c.3119G>A, p.Arg1040Gln (NM_014722.5); short protein forms R1019Q, R1040Q, R990Q.
Identifiers: ClinVar variation 1680478 (VCV001680478.9), dbSNP rs1430641515, ClinGen allele CA362982273.
Genomic context (GRCh38, chr6:24,806,461, plus strand): 5'-TGACGACCTCCGACTTTAACACAGTCTCGAGGAAATTTGTCCAATTGTTCATATGCCAGC[C>T]GCCCATCTTCTCCTAAATACAGAACATTAAACATGAATACCAATTCAAACAACGTTTTTA-3'
Protein context (NP_001273374.1, residues 1009-1029): ETLLSLGEDG[Arg1019Gln]LAYEQLDKFP